The following is an entry in ClinVar:

ClinVar aggregate classification (germline): Uncertain significance (1 of 4 stars; one submission).

gnomAD v4.1: 3 of 1,614,236 alleles (0.00019%); highest among the groups gnomAD compares: Middle Eastern, 0.033%; no homozygotes.

Submission:

Labcorp Genetics (formerly Invitae), Labcorp
Classification: Uncertain significance. Last evaluated: 2025-10-16. Review status: criteria provided, single submitter. Criteria: Invitae Variant Classification Sherloc (09022015). Collection method: clinical testing. Allele origin: germline.
Comment: This sequence change replaces glutamine, which is neutral and polar, with arginine, which is basic and polar, at codon 717 of the SEMA4A protein (p.Gln717Arg). This variant is not present in population databases (gnomAD no frequency). This variant has not been reported in the literature in individuals affected with SEMA4A-related conditions. ClinVar contains an entry for this variant (Variation ID: 2801196). An algorithm developed to predict the effect of missense changes on protein structure and function (PolyPhen-2) suggests that this variant is likely to be tolerated. In summary, the available evidence is currently insufficient to determine the role of this variant in disease. Therefore, it has been classified as a Variant of Uncertain Significance.

NM_022367.4(SEMA4A):c.2150A>G (p.Gln717Arg)

Gene: SEMA4A (semaphorin 4A; plus strand). Cytogenetic location: 1q22.
Variant type: single nucleotide variant.
Coding change: c.2150A>G on transcript NM_022367.4 (MANE Select); coding-DNA position 2150, A replaced by G.
Protein change: p.Gln717Arg; replaces glutamine 717 with arginine.
Molecular consequence: missense variant.
Genome position (GRCh38, 1-based): chr1:156,176,861, A>G. VCF-style: chr1-156176861-A-G. GRCh37 (hg19) VCF-style: chr1-156146652-A-G.
Other names: c.2150A>G, p.Gln717Arg (NM_001370567.1, NM_001193300.2, NM_001193301.2); c.1853A>G, p.Gln618Arg (NM_001370568.1); c.1643A>G, p.Gln548Arg (NM_001370569.1, NM_001370571.1); c.1754A>G, p.Gln585Arg (NM_001193302.2); short protein forms Q618R, Q717R, Q548R, Q585R.
Identifiers: ClinVar variation 2801196 (VCV002801196.3), dbSNP rs2528329805, ClinGen allele CA342813741.
Genomic context (GRCh38, chr1:156,176,861, plus strand): 5'-GAGCCCTCATCATCCTCGTGGCCTCCCCATTGAGAGCACTCCGGGCTCGGGGCAAGGTTC[A>G]GGGCTGTGAGACCCTGCGCCCTGGGGAGAAGGCCCCGTTAAGCAGAGAGCAACACCTCCA-3'
Protein context (NP_071762.2, residues 707-727): LRALRARGKV[Gln717Arg]GCETLRPGEK